The following is an entry in ClinVar:

NM_000255.4(MMUT):c.241T>A (p.Leu81Ile)

Gene: MMUT (methylmalonyl-CoA mutase; minus strand). Cytogenetic location: 6p12.3.
Variant type: single nucleotide variant.
Coding change: c.241T>A on transcript NM_000255.4 (MANE Select); coding-DNA position 241, T replaced by A.
Protein change: p.Leu81Ile; replaces leucine 81 with isoleucine.
Molecular consequence: missense variant.
Genome position (GRCh38, 1-based): chr6:49,459,226, A>T on the plus strand (T>A on the coding strand, the complement: MMUT is on the minus strand). VCF-style: chr6-49459226-A-T. GRCh37 (hg19) VCF-style: chr6-49426939-A-T.
Other names: short protein forms L81I.
Identifiers: ClinVar variation 967724 (VCV000967724.4), dbSNP rs150841850, ClinGen allele CA364405234.

ClinVar aggregate classification (germline): Uncertain significance. Review status: criteria provided, single submitter (1 of 4 stars). 2 submissions from 2 submitters: Uncertain significance (1). 1 of the submissions does not count toward it. Last evaluated 2021-09-02.

Conditions:
Methylmalonic aciduria due to complete methylmalonyl-CoA mutase deficiency.

Allele frequency attached by ClinVar (database versions not stated): gnomAD exomes below 0.00001 and 0.00001; gnomAD 0.00001; TOPMed 0.00003.
gnomAD v4.1: 23 of 1,614,026 alleles (0.0014%); highest among the groups gnomAD compares: Non-Finnish European, 0.0019%; no homozygotes.

Submissions (2):

Labcorp Genetics (formerly Invitae), Labcorp
Classification: Uncertain significance. Last evaluated: 2021-09-02. Review status: criteria provided, single submitter. Criteria: Invitae Variant Classification Sherloc (09022015). Collection method: clinical testing. Allele origin: germline.
Comment: This sequence change replaces leucine with isoleucine at codon 81 of the MUT protein (p.Leu81Ile). The leucine residue is moderately conserved and there is a small physicochemical difference between leucine and isoleucine. This variant is not present in population databases (ExAC no frequency). This variant has not been reported in the literature in individuals affected with MUT-related conditions. Algorithms developed to predict the effect of missense changes on protein structure and function (SIFT, PolyPhen-2, Align-GVGD) all suggest that this variant is likely to be tolerated. In summary, the available evidence is currently insufficient to determine the role of this variant in disease. Therefore, it has been classified as a Variant of Uncertain Significance.

Natera, Inc.
Classification: Uncertain significance for Methylmalonic aciduria due to complete methylmalonyl-CoA mutase deficiency. Last evaluated: 2020-07-27. Review status: no assertion criteria provided. Collection method: clinical testing. Allele origin: germline. Not counted in ClinVar's aggregate classification.